The following is an entry in ClinVar:

NM_020937.4(FANCM):c.1186A>C (p.Met396Leu)

Gene: FANCM (FA complementation group M; plus strand). Cytogenetic location: 14q21.2.
Variant type: single nucleotide variant.
Coding change: c.1186A>C on transcript NM_020937.4 (MANE Select); coding-DNA position 1186, A replaced by C.
Protein change: p.Met396Leu; replaces methionine 396 with leucine.
Molecular consequence: missense variant.
Genome position (GRCh38, 1-based): chr14:45,154,699, A>C. VCF-style: chr14-45154699-A-C. GRCh37 (hg19) VCF-style: chr14-45623902-A-C.
Other names: c.1186A>C (NM_020937.2); c.1108A>C, p.Met370Leu (NM_001308133.2); c.1186A>C, p.Met396Leu (NM_001308134.2); short protein forms M370L, M396L.
Identifiers: ClinVar variation 1044073 (VCV001044073.9), dbSNP rs768041388, ClinGen allele CA7168967.

ClinVar aggregate classification (germline): Uncertain significance. Review status: criteria provided, multiple submitters, no conflicts (2 of 4 stars). 2 submissions from 2 submitters: Uncertain significance (2). Last evaluated 2025-10-11.

Conditions:
Inborn genetic diseases. Identifiers: MedGen C0950123, MeSH D030342.
Fanconi anemia (FA). Also called: Fanconi's anemia. Identifiers: Orphanet 84, MedGen C0015625, MeSH D005199, MONDO:0019391.

Allele frequency attached by ClinVar (database versions not stated): gnomAD exomes below 0.00001; ExAC 0.00001.
gnomAD v4.1: 1 of 1,586,792 alleles (0.000063%); highest among the groups gnomAD compares: African/African-American, 0.0013%; no homozygotes.

Submissions (2):

Ambry Genetics
Classification: Uncertain significance for Inborn genetic diseases. Last evaluated: 2025-10-11. Review status: criteria provided, single submitter. Criteria: Ambry Variant Classification Scheme 2023. Collection method: clinical testing. Allele origin: germline.
Comment: The p.M396L variant (also known as c.1186A>C), located in coding exon 7 of the FANCM gene, results from an A to C substitution at nucleotide position 1186. The methionine at codon 396 is replaced by leucine, an amino acid with highly similar properties. This amino acid position is conserved. In addition, this alteration is predicted to be tolerated by in silico analysis. Based on the available evidence, the clinical significance of this variant remains unclear.

Labcorp Genetics (formerly Invitae), Labcorp
Classification: Uncertain significance for Fanconi anemia. Last evaluated: 2025-08-14. Review status: criteria provided, single submitter. Criteria: Invitae Variant Classification Sherloc (09022015). Collection method: clinical testing. Allele origin: germline.
Comment: This sequence change replaces methionine, which is neutral and non-polar, with leucine, which is neutral and non-polar, at codon 396 of the FANCM protein (p.Met396Leu). This variant is present in population databases (rs768041388, gnomAD no frequency). This variant has not been reported in the literature in individuals affected with FANCM-related conditions. ClinVar contains an entry for this variant (Variation ID: 1044073). An algorithm developed to predict the effect of missense changes on protein structure and function outputs the following: PolyPhen-2: "Benign". The leucine amino acid residue is found in multiple mammalian species, which suggests that this missense change does not adversely affect protein function. In summary, the available evidence is currently insufficient to determine the role of this variant in disease. Therefore, it has been classified as a Variant of Uncertain Significance.